The following is an entry in ClinVar:

ClinVar aggregate classification (germline): Uncertain significance (1 of 4 stars; one submission).

Allele frequency attached by ClinVar (database versions not stated): ExAC 0.00002; gnomAD exomes 0.00002; TOPMed 0.00002; gnomAD 0.00003.
gnomAD v4.1: 38 of 1,614,118 alleles (0.0024%); highest among the groups gnomAD compares: Middle Eastern, 0.033%; no homozygotes.

Submission:

Labcorp Genetics (formerly Invitae), Labcorp
Classification: Uncertain significance. Last evaluated: 2024-12-02. Review status: criteria provided, single submitter. Criteria: Invitae Variant Classification Sherloc (09022015). Collection method: clinical testing. Allele origin: germline.
Comment: This sequence change replaces arginine, which is basic and polar, with histidine, which is basic and polar, at codon 1082 of the SPEG protein (p.Arg1082His). This variant is present in population databases (rs771076128, gnomAD 0.006%). This variant has not been reported in the literature in individuals affected with SPEG-related conditions. ClinVar contains an entry for this variant (Variation ID: 1990167). An algorithm developed to predict the effect of missense changes on protein structure and function outputs the following: PolyPhen-2: "Benign". The histidine amino acid residue is found in multiple mammalian species, which suggests that this missense change does not adversely affect protein function. In summary, the available evidence is currently insufficient to determine the role of this variant in disease. Therefore, it has been classified as a Variant of Uncertain Significance.

NM_005876.5(SPEG):c.3245G>A (p.Arg1082His)

Gene: SPEG (striated muscle enriched protein kinase; plus strand). Cytogenetic location: 2q35.
Variant type: single nucleotide variant.
Coding change: c.3245G>A on transcript NM_005876.5 (MANE Select); coding-DNA position 3245, G replaced by A.
Protein change: p.Arg1082His; replaces arginine 1082 with histidine.
Molecular consequence: missense variant.
Genome position (GRCh38, 1-based): chr2:219,468,680, G>A. VCF-style: chr2-219468680-G-A. GRCh37 (hg19) VCF-style: chr2-220333402-G-A.
Other names: short protein forms R1082H.
Identifiers: ClinVar variation 1990167 (VCV001990167.3), dbSNP rs771076128, ClinGen allele CA2126103.
Genomic context (GRCh38, chr2:219,468,680, plus strand): 5'-TGGCACCCCTGTTCACACGGCTGCTGGAAGATGTGGAGGTGTTGGAGGGCCGAGCTGCCC[G>A]TTTCGACTGCAAGATCAGTGGCACCCCGCCCCCTGTTGTTACCTGGACTCATTTTGGTAC-3'
Protein context (NP_005867.3, residues 1072-1092): DVEVLEGRAA[Arg1082His]FDCKISGTPP